The following is an entry in ClinVar:

NM_153704.6(TMEM67):c.952A>G (p.Asn318Asp)

Gene: TMEM67 (transmembrane protein 67; plus strand). Cytogenetic location: 8q22.1.
Variant type: single nucleotide variant.
Coding change: c.952A>G on transcript NM_153704.6 (MANE Select); coding-DNA position 952, A replaced by G.
Protein change: p.Asn318Asp; replaces asparagine 318 with aspartic acid.
Molecular consequence: missense variant. On other transcripts: non-coding transcript variant (1).
Genome position (GRCh38, 1-based): chr8:93,780,956, A>G. VCF-style: chr8-93780956-A-G. GRCh37 (hg19) VCF-style: chr8-94793184-A-G.
Other names: c.709A>G, p.Asn237Asp (NM_001142301.1); short protein forms N237D, N318D.
Identifiers: ClinVar variation 2080279 (VCV002080279.3), dbSNP rs367780917, ClinGen allele CA4807818.

ClinVar aggregate classification (germline): Uncertain significance. Review status: criteria provided, multiple submitters, no conflicts (2 of 4 stars). 2 submissions from 2 submitters: Uncertain significance (2). Last evaluated 2026-08-31.

Conditions:
TMEM67-related disorder. Also called: TMEM67-related condition; TMEM67-related disorders. Identifiers: MedGen CN239423.
Joubert syndrome. Also called: Familial aplasia of the vermis; JOUBERT-BOLTSHAUSER SYNDROME. Identifiers: Orphanet 475, MedGen C5979921, MONDO:0018772.
Meckel-Gruber syndrome. Also called: Dysencephalia splachnocystica; DYSENCEPHALIA SPLANCHNOCYSTICA; GRUBER SYNDROME. Identifiers: Orphanet 564, MedGen C0265215, MONDO:0018921.

Allele frequency attached by ClinVar (database versions not stated): gnomAD 0.00005; TOPMed 0.00005; ExAC 0.00007; ESP Exome Variant Server 0.00008; gnomAD exomes 0.00013.
gnomAD v4.1: 203 of 1,611,148 alleles (0.013%); highest among the groups gnomAD compares: Non-Finnish European, 0.016%; no homozygotes.

Submissions (2):

PreventionGenetics, part of Exact Sciences
Classification: Uncertain significance for TMEM67-related condition. Last evaluated: 2026-08-31. Review status: criteria provided, single submitter. Criteria: ACMG Guidelines, 2015. Collection method: clinical testing. Allele origin: germline.
Comment: The TMEM67 c.952A>G variant is predicted to result in the amino acid substitution p.Asn318Asp. To our knowledge, this variant has not been reported in the literature. This variant is reported in 0.014% of alleles in individuals of European (Non-Finnish) descent in gnomAD. At this time, the clinical significance of this variant is uncertain due to the absence of conclusive functional and genetic evidence.

Labcorp Genetics (formerly Invitae), Labcorp
Classification: Uncertain significance for Joubert syndrome; Meckel-Gruber syndrome. Last evaluated: 2022-07-06. Review status: criteria provided, single submitter. Criteria: Invitae Variant Classification Sherloc (09022015). Collection method: clinical testing. Allele origin: germline.
Comment: This sequence change replaces asparagine, which is neutral and polar, with aspartic acid, which is acidic and polar, at codon 318 of the TMEM67 protein (p.Asn318Asp). This variant is present in population databases (rs367780917, gnomAD 0.01%). This variant has not been reported in the literature in individuals affected with TMEM67-related conditions. Advanced modeling of protein sequence and biophysical properties (such as structural, functional, and spatial information, amino acid conservation, physicochemical variation, residue mobility, and thermodynamic stability) performed at Invitae indicates that this missense variant is not expected to disrupt TMEM67 protein function. Algorithms developed to predict the effect of sequence changes on RNA splicing suggest that this variant may create or strengthen a splice site. In summary, the available evidence is currently insufficient to determine the role of this variant in disease. Therefore, it has been classified as a Variant of Uncertain Significance.